The following is an entry in ClinVar:

NM_001127198.5(TMC6):c.662_673del (p.Leu221_Leu224del)

Gene: TMC6 (transmembrane channel like 6; minus strand). Cytogenetic location: 17q25.3.
Variant type: Deletion.
Coding change: c.662_673del on transcript NM_001127198.5 (MANE Select); coding-DNA positions 662 to 673, 12 bases deleted (TCTCCGCCCTGC).
Protein change: p.Leu221_Leu224del.
Molecular consequence: inframe deletion. On other transcripts: non-coding transcript variant (4).
Genome position (GRCh38, 1-based): chr17:78,124,742-78,124,753, GCAGGGCGGAGA deleted on the plus strand (TCTCCGCCCTGC on the coding strand, the reverse complement: TMC6 is on the minus strand); deleting any 12 consecutive bases within chr17:78,124,742-78,124,757 gives the same sequence; the c. name uses the placement nearest the transcript's 3' end. VCF-style (leftmost placement, unchanged base first): chr17-78124741-TGCAGGGCGGAGA-T. GRCh37 (hg19) VCF-style: chr17-76120822-TGCAGGGCGGAGA-T.
Other names: c.662_673del, p.Leu221_Leu224del (NM_001321185.1, NM_001374593.1, NM_001374594.1 and 4 more transcripts).
Identifiers: ClinVar variation 2189548 (VCV002189548.4), dbSNP rs1410018147, ClinGen allele CA628013709.

ClinVar aggregate classification (germline): Uncertain significance (1 of 4 stars; one submission).

Conditions:
Epidermodysplasia verruciformis. Identifiers: Orphanet 302, MedGen C0014522, MONDO:0009176.

Submission:

Labcorp Genetics (formerly Invitae), Labcorp
Classification: Uncertain significance for Epidermodysplasia verruciformis. Last evaluated: 2021-12-18. Review status: criteria provided, single submitter. Criteria: Invitae Variant Classification Sherloc (09022015). Collection method: clinical testing. Allele origin: germline.
Comment: In summary, the available evidence is currently insufficient to determine the role of this variant in disease. Therefore, it has been classified as a Variant of Uncertain Significance. Experimental studies and prediction algorithms are not available or were not evaluated, and the functional significance of this variant is currently unknown. This variant has not been reported in the literature in individuals affected with TMC6-related conditions. This variant is present in population databases (no rsID available, gnomAD 0.001%). This variant, c.662_673del, results in the deletion of 4 amino acid(s) of the TMC6 protein (p.Leu221_Leu224del), but otherwise preserves the integrity of the reading frame.